The following is an entry in ClinVar:

NM_000751.3(CHRND):c.570C>G (p.Asn190Lys)

Gene: CHRND (cholinergic receptor nicotinic delta subunit; plus strand). Cytogenetic location: 2q37.1.
Variant type: single nucleotide variant.
Coding change: c.570C>G on transcript NM_000751.3 (MANE Select); coding-DNA position 570, C replaced by G.
Protein change: p.Asn190Lys; replaces asparagine 190 with lysine.
Molecular consequence: missense variant. On other transcripts: intron variant (1).
Genome position (GRCh38, 1-based): chr2:232,528,922, C>G. VCF-style: chr2-232528922-C-G. GRCh37 (hg19) VCF-style: chr2-233393632-C-G.
Other names: c.525C>G, p.Asn175Lys (NM_001256657.2); c.267C>G, p.Asn89Lys (NM_001311196.2); c.238+266C>G (NM_001311195.2); short protein forms N175K, N190K, N89K.
Identifiers: ClinVar variation 1019081 (VCV001019081.8), dbSNP rs768218659, ClinGen allele CA66952183.
Genomic context (GRCh38, chr2:232,528,922, plus strand): 5'-TTCCCTCAAGTATACGGCCAAAGAGATCACCCTGAGCCTGAAACAGGATGCCAAGGAGAA[C>G]CGCACCTACCCCGTGGAGTGGATCATCATTGATCCTGAAGGCTTCACAGGTGCTGGGAAC-3'
Protein context (NP_000742.1, residues 180-200): TLSLKQDAKE[Asn190Lys]RTYPVEWIII

ClinVar aggregate classification (germline): Uncertain significance (1 of 4 stars; one submission).

Conditions:
Lethal multiple pterygium syndrome (LMPS). Identifiers: Orphanet 33108, MedGen C1854678, MONDO:0009668, OMIM 253290.

Allele frequency attached by ClinVar (database versions not stated): TOPMed 0.00002.
gnomAD v4.1: 1 of 1,614,170 alleles (0.000062%); highest among the groups gnomAD compares: African/African-American, 0.0013%; no homozygotes.

Submission:

Labcorp Genetics (formerly Invitae), Labcorp
Classification: Uncertain significance for Lethal multiple pterygium syndrome. Last evaluated: 2022-07-11. Review status: criteria provided, single submitter. Criteria: Invitae Variant Classification Sherloc (09022015). Collection method: clinical testing. Allele origin: germline.
Comment: Advanced modeling of protein sequence and biophysical properties (such as structural, functional, and spatial information, amino acid conservation, physicochemical variation, residue mobility, and thermodynamic stability) performed at Invitae indicates that this missense variant is not expected to disrupt CHRND protein function. ClinVar contains an entry for this variant (Variation ID: 1019081). This variant has not been reported in the literature in individuals affected with CHRND-related conditions. This variant is present in population databases (no rsID available, gnomAD 0.007%). This sequence change replaces asparagine, which is neutral and polar, with lysine, which is basic and polar, at codon 190 of the CHRND protein (p.Asn190Lys). In summary, the available evidence is currently insufficient to determine the role of this variant in disease. Therefore, it has been classified as a Variant of Uncertain Significance.